The following is an entry in ClinVar:

NM_002890.3(RASA1):c.2134T>C (p.Tyr712His)

Genes: CCNH (cyclin H; minus strand), RASA1 (RAS p21 protein activator 1; plus strand). Cytogenetic location: 5q14.3.
Variant type: single nucleotide variant.
Coding change: c.2134T>C on transcript NM_002890.3 (MANE Select); coding-DNA position 2134, T replaced by C.
Protein change: p.Tyr712His; replaces tyrosine 712 with histidine.
Molecular consequence: missense variant. On other transcripts: intron variant (1).
Genome position (GRCh38, 1-based): chr5:87,376,515, T>C. VCF-style: chr5-87376515-T-C. GRCh37 (hg19) VCF-style: chr5-86672332-T-C.
Other names: c.1603T>C, p.Tyr535His (NM_022650.3); c.933+18529A>G (NM_001364075.2); short protein forms Y535H, Y712H.
Identifiers: ClinVar variation 937610 (VCV000937610.10), dbSNP rs1027956355, ClinGen allele CA121812770.

ClinVar aggregate classification (germline): Uncertain significance (1 of 4 stars; one submission).

Conditions:
Capillary malformation-arteriovenous malformation syndrome. Also called: Capillary malformation-arteriovenous malformation. Identifiers: Orphanet 137667, MedGen C1842180, MONDO:0012016.

Allele frequency attached by ClinVar (database versions not stated): gnomAD exomes below 0.00001; TOPMed below 0.00001.
gnomAD v4.1: 2 of 1,614,054 alleles (0.00012%); highest among the groups gnomAD compares: Middle Eastern, 0.016%; no homozygotes.

Submission:

Labcorp Genetics (formerly Invitae), Labcorp
Classification: Uncertain significance for Capillary malformation-arteriovenous malformation syndrome. Last evaluated: 2019-06-29. Review status: criteria provided, single submitter. Criteria: Invitae Variant Classification Sherloc (09022015). Collection method: clinical testing. Allele origin: germline.
Comment: This sequence change replaces tyrosine with histidine at codon 712 of the RASA1 protein (p.Tyr712His). The tyrosine residue is highly conserved and there is a moderate physicochemical difference between tyrosine and histidine. This variant is not present in population databases (ExAC no frequency). This variant has not been reported in the literature in individuals with RASA1-related conditions. Algorithms developed to predict the effect of missense changes on protein structure and function are either unavailable or do not agree on the potential impact of this missense change (SIFT: "Tolerated"; PolyPhen-2: "Probably Damaging"; Align-GVGD: "Class C0"). In summary, the available evidence is currently insufficient to determine the role of this variant in disease. Therefore, it has been classified as a Variant of Uncertain Significance.